The following is an entry in ClinVar:

ClinVar aggregate classification (germline): Uncertain significance. Review status: criteria provided, multiple submitters, no conflicts (2 of 4 stars). 2 submissions from 2 submitters: Uncertain significance (2). Last evaluated 2024-08-04.

Conditions:
Inborn genetic diseases. Identifiers: MedGen C0950123, MeSH D030342.

Allele frequency attached by ClinVar (database versions not stated): gnomAD exomes 0.00001; gnomAD 0.00003.
gnomAD v4.1: 7 of 1,584,738 alleles (0.00044%); highest among the groups gnomAD compares: East Asian, 0.007%; no homozygotes.

Submissions (2):

Ambry Genetics
Classification: Uncertain significance for Inborn genetic diseases. Last evaluated: 2024-08-04. Review status: criteria provided, single submitter. Criteria: Ambry Variant Classification Scheme 2023. Collection method: clinical testing. Allele origin: germline.

Labcorp Genetics (formerly Invitae), Labcorp
Classification: Uncertain significance. Last evaluated: 2024-06-01. Review status: criteria provided, single submitter. Criteria: Invitae Variant Classification Sherloc (09022015). Collection method: clinical testing. Allele origin: germline.
Comment: This sequence change replaces serine, which is neutral and polar, with phenylalanine, which is neutral and non-polar, at codon 738 of the NEFH protein (p.Ser738Phe). This variant is present in population databases (no rsID available, gnomAD 0.005%). This variant has not been reported in the literature in individuals affected with NEFH-related conditions. Advanced modeling of protein sequence and biophysical properties (such as structural, functional, and spatial information, amino acid conservation, physicochemical variation, residue mobility, and thermodynamic stability) performed at Invitae indicates that this missense variant is not expected to disrupt NEFH protein function with a negative predictive value of 95%. In summary, the available evidence is currently insufficient to determine the role of this variant in disease. Therefore, it has been classified as a Variant of Uncertain Significance.

NM_021076.4(NEFH):c.2213C>T (p.Ser738Phe)

Gene: NEFH (neurofilament heavy chain; plus strand). Cytogenetic location: 22q12.2.
Variant type: single nucleotide variant.
Coding change: c.2213C>T on transcript NM_021076.4 (MANE Select); coding-DNA position 2213, C replaced by T.
Protein change: p.Ser738Phe; replaces serine 738 with phenylalanine.
Molecular consequence: missense variant.
Genome position (GRCh38, 1-based): chr22:29,489,853, C>T. VCF-style: chr22-29489853-C-T. GRCh37 (hg19) VCF-style: chr22-29885842-C-T.
Other names: c.2213C>T (NM_021076.3); short protein forms S738F.
Identifiers: ClinVar variation 2969195 (VCV002969195.4), dbSNP rs1321011893, ClinGen allele CA411136485.